The following is an entry in ClinVar:

NC_000007.14:g.107563953A>G

Gene: COG5 (component of oligomeric golgi complex 5; minus strand). Cytogenetic location: 7q22.3.
Variant type: single nucleotide variant.
Genome position: GRCh38 VCF-style: chr7-107563953-A-G. GRCh37 (hg19) VCF-style: chr7-107204398-A-G.
Other names: short protein forms S13P.
Identifiers: ClinVar variation 1305734 (VCV001305734.9), dbSNP rs758429632, ClinGen allele CA4431614.

ClinVar aggregate classification (germline): Uncertain significance. Review status: criteria provided, multiple submitters, no conflicts (2 of 4 stars). 3 submissions from 3 submitters: Uncertain significance (3). Last evaluated 2024-07-25.

Conditions:
Inborn genetic diseases. Identifiers: MedGen C0950123, MeSH D030342.
COG5-congenital disorder of glycosylation. Also called: COG5-CDG; CDG IIi; CONGENITAL DISORDER OF GLYCOSYLATION, TYPE IIi. Identifiers: Orphanet 263487, MedGen C3150876, MONDO:0013325, OMIM 613612.

Allele frequency attached by ClinVar (database versions not stated): gnomAD exomes 0.00004 and 0.00003; ExAC 0.00005; TOPMed 0.00002.

Submissions (3):

GeneDx
Classification: Uncertain significance. Last evaluated: 2024-07-25. Review status: criteria provided, single submitter. Criteria: GeneDx Variant Classification Process June 2021. Collection method: clinical testing. Allele origin: germline. Affected: yes.
Comment: Has not been previously published as pathogenic or benign to our knowledge; Not observed at significant frequency in large population cohorts (gnomAD); In silico analysis indicates that this missense variant does not alter protein structure/function

Ambry Genetics
Classification: Uncertain significance for Inborn genetic diseases. Last evaluated: 2023-12-18. Review status: criteria provided, single submitter. Criteria: Ambry Variant Classification Scheme 2023. Collection method: clinical testing. Allele origin: germline.

Labcorp Genetics (formerly Invitae), Labcorp
Classification: Uncertain significance for COG5-congenital disorder of glycosylation. Last evaluated: 2022-01-14. Review status: criteria provided, single submitter. Criteria: Invitae Variant Classification Sherloc (09022015). Collection method: clinical testing. Allele origin: germline.
Comment: This sequence change replaces serine, which is neutral and polar, with proline, which is neutral and non-polar, at codon 13 of the COG5 protein (p.Ser13Pro). This variant is present in population databases (rs758429632, gnomAD 0.01%). This variant has not been reported in the literature in individuals affected with COG5-related conditions. ClinVar contains an entry for this variant (Variation ID: 1305734). Algorithms developed to predict the effect of missense changes on protein structure and function are either unavailable or do not agree on the potential impact of this missense change (SIFT: "Deleterious"; PolyPhen-2: "Possibly Damaging"; Align-GVGD: "Class C0"). In summary, the available evidence is currently insufficient to determine the role of this variant in disease. Therefore, it has been classified as a Variant of Uncertain Significance.